The following is an entry in ClinVar:

ClinVar aggregate classification (germline): Likely benign (1 of 4 stars; one submission).

Conditions:
CAMK2G-related disorder. Also called: CAMK2G-related condition.

gnomAD v4.1: 16 of 1,420,030 alleles (0.0011%); highest among the groups gnomAD compares: African/African-American, 0.0071%; no homozygotes.

Submission:

PreventionGenetics, part of Exact Sciences
Classification: Likely benign for CAMK2G-related condition. Last evaluated: 2026-02-19. Review status: criteria provided, single submitter. Criteria: ACMG Guidelines, 2015. Collection method: clinical testing. Allele origin: germline.
Comment: This variant is classified as likely benign based on ACMG/AMP sequence variant interpretation guidelines (Richards et al. 2015 PMID: 25741868, with internal and published modifications).

NM_001367534.1(CAMK2G):c.1534+269G>A

Gene: CAMK2G (calcium/calmodulin dependent protein kinase II gamma; minus strand). Cytogenetic location: 10q22.2.
Variant type: single nucleotide variant.
Coding change: c.1534+269G>A on transcript NM_001367534.1 (MANE Select); 269 bases into the intron after coding-DNA position 1534, G replaced by A.
Molecular consequence: intron variant. On other transcripts: synonymous variant (13), 3 prime UTR variant (2).
Genome position (GRCh38, 1-based): chr10:73,816,754, C>T on the plus strand (G>A on the coding strand, the complement: CAMK2G is on the minus strand). VCF-style: chr10-73816754-C-T. GRCh37 (hg19) VCF-style: chr10-75576512-C-T.
Other names: c.1734G>A, p.Pro578= (NM_001320898.2); c.1683G>A, p.Pro561= (NM_001367514.1); c.1557G>A, p.Pro519= (NM_001367519.1); c.1665G>A, p.Pro555= (NM_001367520.1); c.1656G>A, p.Pro552= (NM_001367521.1); c.1671G>A, p.Pro557= (NM_001367522.1); c.1620G>A, p.Pro540= (NM_001367523.1); c.1488G>A, p.Pro496= (NM_001367524.1); and 28 more.
Identifiers: ClinVar variation 4980115 (VCV004980115.1).